The following is an entry in ClinVar:

NM_001042750.2(STAG2):c.2504T>C (p.Ile835Thr)

Gene: STAG2 (STAG2 cohesin complex component; plus strand). Cytogenetic location: Xq25.
Variant type: single nucleotide variant.
Coding change: c.2504T>C on transcript NM_001042750.2 (MANE Select); coding-DNA position 2504, T replaced by C.
Protein change: p.Ile835Thr; replaces isoleucine 835 with threonine.
Molecular consequence: missense variant.
Genome position (GRCh38, 1-based): chrX:124,071,294, T>C. VCF-style: chrX-124071294-T-C. GRCh37 (hg19) VCF-style: chrX-123205144-T-C.
Other names: c.2504T>C, p.Ile835Thr (NM_001042749.2, NM_001042751.2, NM_001282418.2 and 13 more transcripts); short protein forms I835T.
Identifiers: ClinVar variation 3371843 (VCV003371843.2).
Genomic context (GRCh38, chrX:124,071,294, plus strand): 5'-ATACCCCTGATTCTTCATTGCAGTCTGAGTTGCTCAGCTTTATTTTGGATCATGTCTTCA[T>C]TGAACAGGATGATGATAATAATAGTGCAGGTAATTTTATTGCCATCTTTTTATTAAATCT-3'
Protein context (NP_001036215.1, residues 825-845): LLSFILDHVF[Ile835Thr]EQDDDNNSAD

ClinVar aggregate classification (germline): Uncertain significance (1 of 4 stars; one submission).

Submission:

GeneDx
Classification: Uncertain significance. Last evaluated: 2026-01-27. Review status: criteria provided, single submitter. Criteria: GeneDx Variant Classification Process June 2021. Collection method: clinical testing. Allele origin: germline. Affected: yes.
Comment: Not observed at significant frequency in large population cohorts (gnomAD); In silico analysis suggests that this missense variant does not alter protein structure/function; Has not been previously published as pathogenic or benign to our knowledge